The following is an entry in ClinVar:

ClinVar aggregate classification (germline): Pathogenic (1 of 4 stars; one submission).

Conditions:
USH2A-related disorder. Also called: USH2A-related condition; USH2A-related disorders. Identifiers: MedGen CN239332.

Submission:

Myriad Genetics, Inc.
Classification: Pathogenic for USH2A-related disorder. Last evaluated: 2024-12-03. Review status: criteria provided, single submitter. Criteria: Myriad Autosomal Dominant, Autosomal Recessive and X-Linked Classification Criteria (2023). Collection method: clinical testing. Allele origin: unknown.
Comment: NM_206933.2(USH2A):c.2137_2138delGGinsC(G713Pfs*43) is expected to be pathogenic in the context of USH2A-related disorders. This variant is predicted to lead to an abnormal or absent protein product due to the creation of a premature termination codon in USH2A, a gene where loss-of-function variants are known to be pathogenic. Please note: this variant was assessed in the context of healthy population screening.

NM_206933.4(USH2A):c.2137_2138delinsC (p.Gly713fs)

Gene: USH2A (usherin; minus strand). Cytogenetic location: 1q41.
Variant type: Indel.
Coding change: c.2137_2138delinsC on transcript NM_206933.4 (MANE Select); coding-DNA positions 2137 to 2138, GG replaced by C.
Protein change: p.Gly713fs; shifts the reading frame from glycine 713.
Molecular consequence: frameshift variant.
Genome position (GRCh38, 1-based): chr1:216,250,932-216,250,933, CC replaced by G on the plus strand (GG replaced by C on the coding strand, the reverse complement: USH2A is on the minus strand). VCF-style: chr1-216250932-CC-G. GRCh37 (hg19) VCF-style: chr1-216424274-CC-G.
Other names: c.2137_2138delinsC, p.Gly713fs (NM_007123.6); short protein forms G713fs.
Identifiers: ClinVar variation 5013835 (VCV005013835.1).